The following is an entry in ClinVar:

ClinVar aggregate classification (germline): Uncertain significance (1 of 4 stars; one submission).

Submission:

Labcorp Genetics (formerly Invitae), Labcorp
Classification: Uncertain significance. Last evaluated: 2022-05-25. Review status: criteria provided, single submitter. Criteria: Invitae Variant Classification Sherloc (09022015). Collection method: clinical testing. Allele origin: germline.
Comment: This sequence change replaces isoleucine, which is neutral and non-polar, with threonine, which is neutral and polar, at codon 61 of the CLPP protein (p.Ile61Thr). This variant is not present in population databases (gnomAD no frequency). This variant has not been reported in the literature in individuals affected with CLPP-related conditions. Algorithms developed to predict the effect of missense changes on protein structure and function are either unavailable or do not agree on the potential impact of this missense change (SIFT: "Deleterious"; PolyPhen-2: "Benign"; Align-GVGD: "Class C25"). In summary, the available evidence is currently insufficient to determine the role of this variant in disease. Therefore, it has been classified as a Variant of Uncertain Significance.

NM_006012.4(CLPP):c.182T>C (p.Ile61Thr)

Gene: CLPP (caseinolytic mitochondrial matrix peptidase proteolytic subunit; plus strand). Cytogenetic location: 19p13.3.
Variant type: single nucleotide variant.
Coding change: c.182T>C on transcript NM_006012.4 (MANE Select); coding-DNA position 182, T replaced by C.
Protein change: p.Ile61Thr; replaces isoleucine 61 with threonine.
Molecular consequence: missense variant.
Genome position (GRCh38, 1-based): chr19:6,361,756, T>C. VCF-style: chr19-6361756-T-C. GRCh37 (hg19) VCF-style: chr19-6361767-T-C.
Other names: short protein forms I61T.
Identifiers: ClinVar variation 1998987 (VCV001998987.1), dbSNP rs2512441491, ClinGen allele CA403586715.